The following is an entry in ClinVar:

NM_000321.3(RB1):c.2212-6C>T

Gene: RB1 (RB transcriptional corepressor 1; plus strand). Cytogenetic location: 13q14.2.
Variant type: single nucleotide variant.
Coding change: c.2212-6C>T on transcript NM_000321.3 (MANE Select); 6 bases into the intron before coding-DNA position 2212, C replaced by T.
Molecular consequence: intron variant.
Genome position (GRCh38, 1-based): chr13:48,464,992, C>T. VCF-style: chr13-48464992-C-T. GRCh37 (hg19) VCF-style: chr13-49039128-C-T.
Identifiers: ClinVar variation 416483 (VCV000416483.14), dbSNP rs776162179, ClinGen allele CA034817.

ClinVar aggregate classification (germline): Benign/Likely benign. Review status: criteria provided, multiple submitters, no conflicts (2 of 4 stars). 5 submissions from 5 submitters: Benign (3); Likely benign (2). Last evaluated 2026-06-25.

Conditions:
Retinoblastoma (RB1). Also called: RETINOBLASTOMA, SOMATIC. Identifiers: Orphanet 790, MedGen C0035335, MeSH D012175, MONDO:0008380, OMIM 180200, HP:0009919. Disease mechanism: loss of function. Inheritance: Both sporadic and heritable forms are tested..

Allele frequency attached by ClinVar (database versions not stated): ExAC 0.00001; gnomAD exomes 0.00164.

Submissions (5):

Myriad Genetics, Inc.
Classification: Benign for Retinoblastoma. Last evaluated: 2026-06-25. Review status: criteria provided, single submitter. Criteria: Myriad Autosomal Dominant, Autosomal Recessive and X-Linked Classification Criteria (2023). Collection method: clinical testing. Allele origin: unknown.
Comment: This variant is considered benign. This variant is intronic and is not expected to impact mRNA splicing. This variant has been observed at a population frequency that is significantly greater than expected given the associated disease prevalence and penetrance.

Labcorp Genetics (formerly Invitae), Labcorp
Classification: Likely benign for Retinoblastoma. Last evaluated: 2026-01-31. Review status: criteria provided, single submitter. Criteria: Invitae Variant Classification Sherloc (09022015). Collection method: clinical testing. Allele origin: germline.

Color Diagnostics, LLC DBA Color Health
Classification: Benign for Retinoblastoma. Last evaluated: 2022-05-03. Review status: criteria provided, single submitter. Criteria: ACMG Guidelines, 2015. Collection method: clinical testing. Allele origin: germline.

Blueprint Genetics
Classification: Likely benign. Last evaluated: 2022-01-27. Review status: criteria provided, single submitter. Criteria: ACMG Guidelines, 2015. Collection method: clinical testing. Allele origin: germline.

Women's Health and Genetics/Laboratory Corporation of America, LabCorp
Classification: Benign. Last evaluated: 2020-05-07. Review status: criteria provided, single submitter. Criteria: LabCorp Variant Classification Summary - May 2015. Collection method: clinical testing. Allele origin: germline.
Comment: Variant summary: RB1 c.2212-6C>T alters a non-conserved nucleotide located close to a canonical splice site and therefore could affect mRNA splicing, leading to a significantly altered protein sequence. 4/4 computational tools predict no significant impact on normal splicing. However, these predictions have yet to be confirmed by functional studies. The variant allele was found at a frequency of 0.0016 in 205610 control chromosomes, predominantly at a frequency of 0.0047 within the East Asian subpopulation in the gnomAD database. The observed variant frequency within East Asian control individuals in the gnomAD database is approximately 113 fold of the estimated maximal expected allele frequency for a pathogenic variant in RB1 causing Retinoblastoma phenotype (4.2e-05), strongly suggesting that the variant is a benign polymorphism found primarily in populations of East Asian origin. To our knowledge, no occurrence of c.2212-6C>T in individuals affected with Retinoblastoma and no experimental evidence demonstrating its impact on protein function have been reported. One ClinVar submitter (evaluation after 2014) cites the variant as likely benign. Based on the evidence outlined above, the variant was classified as benign.